The following is an entry in ClinVar:

NM_016938.5(EFEMP2):c.1009C>G (p.Arg337Gly)

Gene: EFEMP2 (EGF containing fibulin extracellular matrix protein 2; minus strand). Cytogenetic location: 11q13.1.
Variant type: single nucleotide variant.
Coding change: c.1009C>G on transcript NM_016938.5 (MANE Select); coding-DNA position 1009, C replaced by G.
Protein change: p.Arg337Gly; replaces arginine 337 with glycine.
Molecular consequence: missense variant. On other transcripts: non-coding transcript variant (1).
Genome position (GRCh38, 1-based): chr11:65,868,022, G>C on the plus strand (C>G on the coding strand, the complement: EFEMP2 is on the minus strand). VCF-style: chr11-65868022-G-C. GRCh37 (hg19) VCF-style: chr11-65635493-G-C.
Other names: short protein forms R337G.
Identifiers: ClinVar variation 4016515 (VCV004016515.1).

ClinVar aggregate classification (germline): Uncertain significance (1 of 4 stars; one submission).

Conditions:
Cardiovascular phenotype. Identifiers: MedGen CN230736.

gnomAD v4.1: 2 of 1,613,940 alleles (0.00012%); highest among the groups gnomAD compares: Non-Finnish European, 0.00017%; no homozygotes.

Submission:

Ambry Genetics
Classification: Uncertain significance for Cardiovascular phenotype. Last evaluated: 2025-03-25. Review status: criteria provided, single submitter. Criteria: Ambry Variant Classification Scheme 2023. Collection method: clinical testing. Allele origin: germline.
Comment: The p.R337G variant (also known as c.1009C>G), located in coding exon 9 of the EFEMP2 gene, results from a C to G substitution at nucleotide position 1009. The arginine at codon 337 is replaced by glycine, an amino acid with dissimilar properties. This amino acid position is conserved. In addition, the in silico prediction for this alteration is inconclusive. Based on the available evidence, the clinical significance of this variant remains unclear.